The following is an entry in ClinVar:

ClinVar aggregate classification (germline): Likely benign (1 of 4 stars; one submission).

Allele frequency attached by ClinVar (database versions not stated): ExAC below 0.00001; gnomAD 0.00004; gnomAD exomes 0.00005 and 0.00010; TOPMed 0.00007; 1000 Genomes Project 30x 0.00016.
gnomAD v4.1: 37 of 456,286 alleles (0.0081%); highest among the groups gnomAD compares: Middle Eastern, 0.13%; no homozygotes.

Submission:

GeneDx
Classification: Likely benign. Last evaluated: 2015-12-22. Review status: criteria provided, single submitter. Criteria: GeneDx Variant Classification (06012015). Collection method: clinical testing. Allele origin: germline. Affected: yes.
Comment: This variant is considered likely benign or benign based on one or more of the following criteria: it is a conservative change, it occurs at a poorly conserved position in the protein, it is predicted to be benign by multiple in silico algorithms, and/or has population frequency not consistent with disease.

NM_001276345.2(TNNT2):c.-15+10G>A

Gene: TNNT2 (troponin T2, cardiac type; minus strand). Cytogenetic location: 1q32.1.
Variant type: single nucleotide variant.
Coding change: c.-15+10G>A on transcript NM_001276345.2 (MANE Select); 10 bases into the intron after 15 bases upstream of the start codon, G replaced by A.
Molecular consequence: intron variant.
Genome position (GRCh38, 1-based): chr1:201,377,613, C>T on the plus strand (G>A on the coding strand, the complement: TNNT2 is on the minus strand). VCF-style: chr1-201377613-C-T. GRCh37 (hg19) VCF-style: chr1-201346741-C-T.
Other names: c.-15+10G>A (NM_001001432.3, NM_001001431.3, NM_001001430.3 and 2 more transcripts); c.-148+10G>A (NM_001276347.2).
Identifiers: ClinVar variation 378740 (VCV000378740.1), dbSNP rs754752990, ClinGen allele CA088906.